The following is an entry in ClinVar:

NM_021072.4(HCN1):c.1230+4A>C

Gene: HCN1 (hyperpolarization activated cyclic nucleotide gated potassium channel 1; minus strand). Cytogenetic location: 5p12.
Variant type: single nucleotide variant.
Coding change: c.1230+4A>C on transcript NM_021072.4 (MANE Select); 4 bases into the intron after coding-DNA position 1230, A replaced by C.
Molecular consequence: intron variant.
Genome position (GRCh38, 1-based): chr5:45,396,488, T>G on the plus strand (A>C on the coding strand, the complement: HCN1 is on the minus strand). VCF-style: chr5-45396488-T-G. GRCh37 (hg19) VCF-style: chr5-45396590-T-G.
Identifiers: ClinVar variation 2004988 (VCV002004988.4), dbSNP rs777530266, ClinGen allele CA2580073308.
Genomic context (GRCh38, chr5:45,396,488, plus strand): 5'-ACAATTCAATTTACTGGTTCAGGTTAGCTGGTTAAAGACATTGGCGATAAATAAAACAAA[T>G]TACCTTCTCTTGATACTGCCGCCTCGAAGAATCCAGAGACTGGATTAAAGCGGTGGCATG-3'

ClinVar aggregate classification (germline): Uncertain significance (1 of 4 stars; one submission).

Conditions:
Early-infantile DEE. Also called: Early infantile epileptic encephalopathy; Ohtahara syndrome; Early infantile epileptic encephalopathy with suppression bursts. Identifiers: Orphanet 1934, MedGen C0393706, MONDO:0800491.

Submission:

Labcorp Genetics (formerly Invitae), Labcorp
Classification: Uncertain significance for Early-infantile DEE. Last evaluated: 2024-12-09. Review status: criteria provided, single submitter. Criteria: Invitae Variant Classification Sherloc (09022015). Collection method: clinical testing. Allele origin: germline.
Comment: This sequence change falls in intron 4 of the HCN1 gene. It does not directly change the encoded amino acid sequence of the HCN1 protein. It affects a nucleotide within the consensus splice site. This variant is not present in population databases (gnomAD no frequency). This variant has not been reported in the literature in individuals affected with HCN1-related conditions. ClinVar contains an entry for this variant (Variation ID: 2004988). Variants that disrupt the consensus splice site are a relatively common cause of aberrant splicing (PMID: 17576681, 9536098). Algorithms developed to predict the effect of sequence changes on RNA splicing suggest that this variant is not likely to affect RNA splicing. In summary, the available evidence is currently insufficient to determine the role of this variant in disease. Therefore, it has been classified as a Variant of Uncertain Significance.

Literature cited by the submitters: PubMed 17576681; PubMed 9536098.